The following is an entry in ClinVar:

ClinVar aggregate classification (germline): Likely benign. Review status: criteria provided, multiple submitters, no conflicts (2 of 4 stars). 3 submissions from 3 submitters: Likely benign (2). 1 of the submissions does not count toward it. Last evaluated 2025-09-30.

Conditions:
FLNA-related disorder.
Heterotopia, periventricular, X-linked dominant (PVNH1). Also called: PERIVENTRICULAR NODULAR HETEROTOPIA 1; X-linked periventricular heterotopia; PERIVENTRICULAR NODULAR HETEROTOPIA 4; HETEROTOPIA, PERIVENTRICULAR, 1. Identifiers: Orphanet 2149, Orphanet 82004, MedGen C1848213, MONDO:0010233, OMIM 300049.
Oto-palato-digital syndrome, type II (OPD2). Also called: OPD II SYNDROME; FACIOPALATOOSSEOUS SYNDROME; Otopalatodigital Syndrome, Type II; Otopalatodigital Syndrome Type 2 (FLNA-OPD2). Identifiers: Orphanet 669, Orphanet 90652, MedGen C1844696, MONDO:0010571, OMIM 304120.
Melnick-Needles syndrome (MNS). Also called: MELNICK-NEEDLES OSTEODYSPLASTY; OSTEODYSPLASTY OF MELNICK AND NEEDLES; Melnick-Needles Syndrome (FLNA-MNS). Identifiers: Orphanet 2484, MedGen C0025237, MONDO:0010650, OMIM 309350.
Frontometaphyseal dysplasia (FMD1). Identifiers: Orphanet 1826, MedGen C0265293, MONDO:0015942.
Familial thoracic aortic aneurysm and aortic dissection (TAAD). Also called: Thoracic aortic aneurysms and dissections. Identifiers: Orphanet 91387, MedGen C4707243, MONDO:0019625.

Allele frequency attached by ClinVar (database versions not stated): ExAC 0.00001; gnomAD 0.00001; gnomAD exomes 0.00001 and 0.00003.
gnomAD v4.1: 15 of 1,208,740 alleles (0.0012%); highest among the groups gnomAD compares: South Asian, 0.0018%; no homozygotes.

Submissions (3):

Labcorp Genetics (formerly Invitae), Labcorp
Classification: Likely benign for Oto-palato-digital syndrome, type II; Heterotopia, periventricular, X-linked dominant; Frontometaphyseal dysplasia; Melnick-Needles syndrome. Last evaluated: 2025-09-30. Review status: criteria provided, single submitter. Criteria: Invitae Variant Classification Sherloc (09022015). Collection method: clinical testing. Allele origin: germline.

Ambry Genetics
Classification: Likely benign for Familial thoracic aortic aneurysm and aortic dissection. Last evaluated: 2019-02-02. Review status: criteria provided, single submitter. Criteria: Ambry Variant Classification Scheme 2023. Collection method: clinical testing. Allele origin: germline.

PreventionGenetics, part of Exact Sciences
Classification: Likely benign for FLNA-related condition. Last evaluated: 2023-08-21. Review status: no assertion criteria provided. Collection method: clinical testing. Allele origin: germline. Not counted in ClinVar's aggregate classification.
Comment: This variant is classified as likely benign based on ACMG/AMP sequence variant interpretation guidelines (Richards et al. 2015 PMID: 25741868, with internal and published modifications).

NM_001110556.2(FLNA):c.1377G>A (p.Thr459=)

Gene: FLNA (filamin A; minus strand). Cytogenetic location: Xq28.
Variant type: single nucleotide variant.
Coding change: c.1377G>A on transcript NM_001110556.2 (MANE Select); coding-DNA position 1377, G replaced by A.
Protein change: p.Thr459=; no amino-acid change (threonine 459 retained).
Molecular consequence: synonymous variant.
Genome position (GRCh38, 1-based): chrX:154,366,076, C>T on the plus strand (G>A on the coding strand, the complement: FLNA is on the minus strand). VCF-style: chrX-154366076-C-T. GRCh37 (hg19) VCF-style: chrX-153594444-C-T.
Other names: c.1377G>A, p.Thr459= (NM_001456.4); c.1377G>A (NM_001110556.1).
Identifiers: ClinVar variation 1095614 (VCV001095614.13), dbSNP rs782029838, ClinGen allele CA10561197.